The following is an entry in ClinVar:

NM_001040113.2(MYH11):c.5836T>A (p.Ter1946Arg)

Genes: NDE1 (nudE neurodevelopment protein 1; plus strand), MYH11 (myosin heavy chain 11; minus strand). Cytogenetic location: 16p13.11.
Variant type: single nucleotide variant.
Coding change: c.5836T>A on transcript NM_001040113.2 (MANE Plus Clinical); coding-DNA position 5836, T replaced by A.
Protein change: p.Ter1946Arg.
Molecular consequence: stop lost. On other transcripts: intron variant (4).
Genome position (GRCh38, 1-based): chr16:15,708,813, A>T on the plus strand (T>A on the coding strand, the complement: MYH11 is on the minus strand). VCF-style: chr16-15708813-A-T. GRCh37 (hg19) VCF-style: chr16-15802670-A-T.
Other names: *1939R; *1946R; c.5815T>A, p.Ter1939Arg (NM_022844.3); c.947+11953A>T (NM_001143979.2, NM_017668.3); c.5787-4690T>A (NM_002474.3); c.5808-4690T>A (NM_001040114.2).
Identifiers: ClinVar variation 927583 (VCV000927583.7), dbSNP rs1365916121, ClinGen allele CA394844527.
Genomic context (GRCh38, chr16:15,708,813, plus strand): 5'-AGAAATGGATACTGAGACAACACACAGCTGCGAAGCTGAAGGCATGATACCTGGTGCATC[A>T]CTGCGAAGTTTCCTGTGGGGGGGGCCCTCTGAAACAGAGAGAGAATCCCCGGAGGTTACC-3'

ClinVar aggregate classification (germline): Uncertain significance. Review status: criteria provided, multiple submitters, no conflicts (2 of 4 stars). 2 submissions from 2 submitters: Uncertain significance (2). Last evaluated 2025-07-22.

Conditions:
Familial thoracic aortic aneurysm and aortic dissection (TAAD). Also called: Thoracic aortic aneurysms and dissections. Identifiers: Orphanet 91387, MedGen C4707243, MONDO:0019625.

Allele frequency attached by ClinVar (database versions not stated): gnomAD exomes below 0.00001; gnomAD 0.00001; TOPMed 0.00002.
gnomAD v4.1: 2 of 1,608,746 alleles (0.00012%); highest among the groups gnomAD compares: African/African-American, 0.0013%; no homozygotes.

Submissions (2):

Color Diagnostics, LLC DBA Color Health
Classification: Uncertain significance for Familial thoracic aortic aneurysm and aortic dissection. Last evaluated: 2025-07-22. Review status: criteria provided, single submitter. Criteria: ACMG Guidelines, 2015. Collection method: clinical testing. Allele origin: germline.
Comment: This variant changes the translational stop signal of the MYH11 gene to arginine. Translation read-through is expected to extend the length of the MYH11 protein by 47 additional amino acids. To our knowledge, functional studies have not been reported for this variant. This variant has not been reported in individuals affected with MYH11-related disorders in the literature. This variant has been identified in 1/241430 chromosomes in the general population by the Genome Aggregation Database (gnomAD). The available evidence is insufficient to determine the role of this variant in disease conclusively. Therefore, this variant is classified as a Variant of Uncertain Significance.

All of Us Research Program, National Institutes of Health
Classification: Uncertain significance for Familial thoracic aortic aneurysm and aortic dissection. Last evaluated: 2023-07-22. Review status: criteria provided, single submitter. Criteria: ACMG Guidelines, 2015. Collection method: clinical testing. Allele origin: germline. Inheritance: Autosomal dominant inheritance. Observed: 3 variant alleles, 3 heterozygotes.
Comment: This variant changes the translational stop signal of the MYH11 gene to arginine. Translation read-through is expected to extend the length of the MYH11 protein by 47 additional amino acids. To our knowledge, functional studies have not been reported for this variant. This variant has not been reported in individuals affected with MYH11-related disorders in the literature. This variant has been identified in 1/241430 chromosomes in the general population by the Genome Aggregation Database (gnomAD). The available evidence is insufficient to determine the role of this variant in disease conclusively. Therefore, this variant is classified as a Variant of Uncertain Significance.

This study involves interpretation of variants in research participants for the purpose of population health screening. Participant phenotype was not available at the time of variant classification. Additional details can be found in publication PMID: 35346344, PMCID: PMC8962531